The following is an entry in ClinVar:

NM_000426.4(LAMA2):c.1700_1703dup (p.Ile569fs)

Gene: LAMA2 (laminin subunit alpha 2; plus strand). Cytogenetic location: 6q22.33.
Variant type: Duplication.
Coding change: c.1700_1703dup on transcript NM_000426.4 (MANE Select); coding-DNA positions 1700 to 1703, 4 bases duplicated (TCAG; older notation c.1700_1703dupTCAG).
Protein change: p.Ile569fs; shifts the reading frame from isoleucine 569.
Molecular consequence: frameshift variant.
Genome position (GRCh38, 1-based): chr6:129,192,771-129,192,774, TCAG duplicated. VCF-style (leftmost placement, unchanged base first): chr6-129192770-A-ATCAG. GRCh37 (hg19) VCF-style: chr6-129513915-A-ATCAG.
Other names: c.1700_1703dupTCAG (NM_000426.4); c.1700_1703dup, p.Ile569fs (NM_001079823.2); short protein forms I569fs.
Identifiers: ClinVar variation 2051764 (VCV002051764.5), dbSNP rs763480874, ClinGen allele CA3992701.

ClinVar aggregate classification (germline): Pathogenic. Review status: criteria provided, multiple submitters, no conflicts (2 of 4 stars). 2 submissions from 2 submitters: Pathogenic (2). Last evaluated 2024-11-15.

Conditions:
LAMA2-related muscular dystrophy (LAMA2-RD). Also called: Laminin alpha 2-related dystrophy. Identifiers: MedGen C5679788, MONDO:0100228.

Allele frequency attached by ClinVar (database versions not stated): gnomAD exomes below 0.00001; ExAC 0.00003.

Submissions (2):

Women's Health and Genetics/Laboratory Corporation of America, LabCorp
Classification: Pathogenic for LAMA2-related muscular dystrophy. Last evaluated: 2024-11-15. Review status: criteria provided, single submitter. Criteria: LabCorp Variant Classification Summary - May 2015. Collection method: clinical testing. Allele origin: germline.
Comment: Variant summary: LAMA2 c.1700_1703dupTCAG (p.Ile569GlnfsX4) results in a premature termination codon, predicted to cause a truncation of the encoded protein or absence of the protein due to nonsense mediated decay, which are commonly known mechanisms for disease. The variant allele was found at a frequency of 1.2e-05 in 251480 control chromosomes. c.1700_1703dupTCAG has been reported in the literature in at least one compound heterozygous individual affected with Laminin Alpha 2-Related Dystrophy (Vill_2017). To our knowledge, no experimental evidence demonstrating an impact on protein function has been reported. The following publication has been ascertained in the context of this evaluation (PMID: 29172004). ClinVar contains an entry for this variant (Variation ID: 2051764). Based on the evidence outlined above, the variant was classified as pathogenic.

Labcorp Genetics (formerly Invitae), Labcorp
Classification: Pathogenic for LAMA2-related muscular dystrophy. Last evaluated: 2023-12-16. Review status: criteria provided, single submitter. Criteria: Invitae Variant Classification Sherloc (09022015). Collection method: clinical testing. Allele origin: germline.
Comment: This sequence change creates a premature translational stop signal (p.Ile569Glnfs*4) in the LAMA2 gene. It is expected to result in an absent or disrupted protein product. Loss-of-function variants in LAMA2 are known to be pathogenic (PMID: 18700894, 32904964). This variant is present in population databases (rs763480874, gnomAD 0.003%). This premature translational stop signal has been observed in individual(s) with early-onset myopathy (PMID: 29172004). ClinVar contains an entry for this variant (Variation ID: 2051764). For these reasons, this variant has been classified as Pathogenic.

Literature cited by the submitters: PubMed 29172004 (cited by Women's Health and Genetics/Laboratory Corporation of America, LabCorp and Labcorp Genetics (formerly Invitae), Labcorp); PubMed 18700894 (cited by Labcorp Genetics (formerly Invitae), Labcorp); PubMed 32904964 (cited by Labcorp Genetics (formerly Invitae), Labcorp).